The following is an entry in ClinVar:

NM_004655.4(AXIN2):c.1317G>A (p.Leu439=)

Gene: AXIN2 (axin 2; minus strand). Cytogenetic location: 17q24.1.
Variant type: single nucleotide variant.
Coding change: c.1317G>A on transcript NM_004655.4 (MANE Select); coding-DNA position 1317, G replaced by A.
Protein change: p.Leu439=; no amino-acid change (leucine 439 retained).
Molecular consequence: synonymous variant.
Genome position (GRCh38, 1-based): chr17:65,537,719, C>T on the plus strand (G>A on the coding strand, the complement: AXIN2 is on the minus strand). VCF-style: chr17-65537719-C-T. GRCh37 (hg19) VCF-style: chr17-63533837-C-T.
Other names: c.1317G>A, p.Leu439= (NM_001363813.1).
Identifiers: ClinVar variation 706739 (VCV000706739.19), dbSNP rs763400320, ClinGen allele CA8718680.

ClinVar aggregate classification (germline): Benign/Likely benign. Review status: criteria provided, multiple submitters, no conflicts (2 of 4 stars). 6 submissions from 6 submitters: Benign (1); Likely benign (5). Last evaluated 2025-11-10.

Conditions:
Oligodontia-cancer predisposition syndrome. Also called: TOOTH AGENESIS-COLORECTAL CANCER SYNDROME. Identifiers: Orphanet 300576, MedGen C1837750, MONDO:0012075, OMIM 608615. Disease mechanism: loss of function.
Hereditary cancer-predisposing syndrome. Also called: Tumor predisposition; Neoplastic Syndromes, Hereditary; Hereditary neoplastic syndrome; Hereditary Cancer Syndrome. Identifiers: Orphanet 140162, MedGen C0027672, MeSH D009386, MONDO:0015356.

Allele frequency attached by ClinVar (database versions not stated): ExAC 0.00004.
gnomAD v4.1: 4 of 1,561,076 alleles (0.00026%); highest among the groups gnomAD compares: Non-Finnish European, 0.00026%; no homozygotes.

Submissions (6):

Labcorp Genetics (formerly Invitae), Labcorp
Classification: Likely benign for Oligodontia-cancer predisposition syndrome. Last evaluated: 2025-11-10. Review status: criteria provided, single submitter. Criteria: Invitae Variant Classification Sherloc (09022015). Collection method: clinical testing. Allele origin: germline.

Blueprint Genetics
Classification: Likely benign. Last evaluated: 2024-09-21. Review status: criteria provided, single submitter. Criteria: ACMG Guidelines, 2015. Collection method: clinical testing. Allele origin: germline.

Myriad Genetics, Inc.
Classification: Benign for Oligodontia-cancer predisposition syndrome. Last evaluated: 2024-07-02. Review status: criteria provided, single submitter. Criteria: Myriad Autosomal Dominant, Autosomal Recessive and X-Linked Classification Criteria (2023). Collection method: clinical testing. Allele origin: unknown.
Comment: This variant is considered benign. This variant is a silent/synonymous amino acid change and it is not expected to impact splicing.

Sema4
Classification: Likely benign for Hereditary cancer-predisposing syndrome. Last evaluated: 2021-06-01. Review status: criteria provided, single submitter. Criteria: Sema4 Curation Guidelines. Collection method: curation. Allele origin: germline.

Ambry Genetics
Classification: Likely benign for Hereditary cancer-predisposing syndrome. Last evaluated: 2020-11-23. Review status: criteria provided, single submitter. Criteria: Ambry Variant Classification Scheme 2023. Collection method: clinical testing. Allele origin: germline.

GeneDx
Classification: Likely benign. Last evaluated: 2019-01-04. Review status: criteria provided, single submitter. Criteria: GeneDx Variant Classification Process June 2021. Collection method: clinical testing. Allele origin: germline. Affected: yes.